The following is an entry in ClinVar:

NM_199420.4(POLQ):c.1277A>T (p.Asp426Val)

Gene: POLQ (DNA polymerase theta; minus strand). Cytogenetic location: 3q13.33.
Variant type: single nucleotide variant.
Coding change: c.1277A>T on transcript NM_199420.4 (MANE Select); coding-DNA position 1277, A replaced by T.
Protein change: p.Asp426Val; replaces aspartic acid 426 with valine.
Molecular consequence: missense variant.
Genome position (GRCh38, 1-based): chr3:121,520,062, T>A on the plus strand (A>T on the coding strand, the complement: POLQ is on the minus strand). VCF-style: chr3-121520062-T-A. GRCh37 (hg19) VCF-style: chr3-121238909-T-A.
Other names: short protein forms D426V.
Identifiers: ClinVar variation 1766811 (VCV001766811.2), dbSNP rs767911877, ClinGen allele CA2563576.

ClinVar aggregate classification (germline): Uncertain significance (1 of 4 stars; one submission).

Allele frequency attached by ClinVar (database versions not stated): ExAC 0.00001.
gnomAD v4.1: 2 of 1,611,278 alleles (0.00012%); highest among the groups gnomAD compares: African/African-American, 0.0013%; no homozygotes.

Submission:

Ambry Genetics
Classification: Uncertain significance. Last evaluated: 2022-10-29. Review status: criteria provided, single submitter. Criteria: Ambry Variant Classification Scheme 2023. Collection method: clinical testing. Allele origin: germline.
Comment: The p.D426V variant (also known as c.1277A>T), located in coding exon 9 of the POLQ gene, results from an A to T substitution at nucleotide position 1277. The aspartic acid at codon 426 is replaced by valine, an amino acid with highly dissimilar properties. This amino acid position is conserved. In addition, this alteration is predicted to be deleterious by in silico analysis. Since supporting evidence is limited at this time, the clinical significance of this alteration remains unclear.